The following is an entry in ClinVar:

ClinVar aggregate classification (germline): Likely benign (1 of 4 stars; one submission).

Submission:

CeGaT Center for Human Genetics Tuebingen
Classification: Likely benign. Last evaluated: 2025-08-01. Review status: criteria provided, single submitter. Criteria: CeGaT Center For Human Genetics Tuebingen Variant Classification Criteria Version 2. Collection method: clinical testing. Allele origin: germline. Affected: yes. Observed: 1 variant allele.
Comment: APC: PM2:Supporting, BP4, BP7

NM_000038.6(APC):c.7596T>C (p.His2532=)

Gene: APC (APC regulator of Wnt signaling pathway; plus strand). Cytogenetic location: 5q22.2.
Variant type: single nucleotide variant.
Coding change: c.7596T>C on transcript NM_000038.6 (MANE Select); coding-DNA position 7596, T replaced by C.
Protein change: p.His2532=; no amino-acid change (histidine 2532 retained).
Molecular consequence: synonymous variant. On other transcripts: non-coding transcript variant (2).
Genome position (GRCh38, 1-based): chr5:112,843,190, T>C. VCF-style: chr5-112843190-T-C. GRCh37 (hg19) VCF-style: chr5-112178887-T-C.
Other names: c.7596T>C, p.His2532= (NM_001127510.3, NM_001354895.2, NM_001407450.1); c.7542T>C, p.His2514= (NM_001127511.3); c.7650T>C, p.His2550= (NM_001354896.2, NM_001407447.1, NM_001407448.1 and 1 more transcripts); c.7626T>C, p.His2542= (NM_001354897.2); c.7521T>C, p.His2507= (NM_001354898.2); c.7512T>C, p.His2504= (NM_001354899.2); c.7473T>C, p.His2491= (NM_001354900.2); c.7419T>C, p.His2473= (NM_001354901.2, NM_001407453.1); and 11 more.
Identifiers: ClinVar variation 4085718 (VCV004085718.8).
Genomic context (GRCh38, chr5:112,843,190, plus strand): 5'-TCCCACTATAGAGTATAATGATGGAAGACCAGCAAAGCGCCATGATATTGCACGGTCTCA[T>C]TCTGAAAGTCCTTCTAGACTTCCAATCAATAGGTCAGGAACCTGGAAACGTGAGCACAGC-3'
Protein context (NP_000029.2, residues 2522-2542): PAKRHDIARS[His2532=]SESPSRLPIN